The following is an entry in ClinVar:

NM_000744.7(CHRNA4):c.825C>G (p.Ile275Met)

Gene: CHRNA4 (cholinergic receptor nicotinic alpha 4 subunit; minus strand). Cytogenetic location: 20q13.33.
Variant type: single nucleotide variant.
Coding change: c.825C>G on transcript NM_000744.7 (MANE Select); coding-DNA position 825, C replaced by G.
Protein change: p.Ile275Met; replaces isoleucine 275 with methionine.
Molecular consequence: missense variant. On other transcripts: non-coding transcript variant (1).
Genome position (GRCh38, 1-based): chr20:63,350,586, G>C on the plus strand (C>G on the coding strand, the complement: CHRNA4 is on the minus strand). VCF-style: chr20-63350586-G-C. GRCh37 (hg19) VCF-style: chr20-61981938-G-C.
Other names: c.297C>G, p.Ile99Met (NM_001256573.2); short protein forms I99M, I275M.
Identifiers: ClinVar variation 1762649 (VCV001762649.7), dbSNP rs750974344, ClinGen allele CA9957720.

ClinVar aggregate classification (germline): Uncertain significance. Review status: criteria provided, multiple submitters, no conflicts (2 of 4 stars). 3 submissions from 3 submitters: Uncertain significance (3). Last evaluated 2025-07-23.

Conditions:
Inborn genetic diseases. Identifiers: MedGen C0950123, MeSH D030342.
Familial sleep-related hypermotor epilepsy. Also called: Autosomal Dominant Sleep-Related Hypermotor (Hyperkinetic) Epilepsy. Identifiers: Orphanet 98784, MedGen C3696898, MONDO:0000030.

Allele frequency attached by ClinVar (database versions not stated): ExAC 0.00001.

Submissions (3):

GeneDx
Classification: Uncertain significance. Last evaluated: 2025-07-23. Review status: criteria provided, single submitter. Criteria: GeneDx Variant Classification Process June 2021. Collection method: clinical testing. Allele origin: germline. Affected: yes.
Comment: Not observed at significant frequency in large population cohorts (gnomAD); In silico analysis suggests that this missense variant does not alter protein structure/function; Has not been previously published as pathogenic or benign to our knowledge; This variant is associated with the following publications: (PMID: 25282705)

Labcorp Genetics (formerly Invitae), Labcorp
Classification: Uncertain significance. Last evaluated: 2023-05-22. Review status: criteria provided, single submitter. Criteria: Invitae Variant Classification Sherloc (09022015). Collection method: clinical testing. Allele origin: germline.
Comment: This variant is present in population databases (rs750974344, gnomAD 0.002%). This sequence change replaces isoleucine, which is neutral and non-polar, with methionine, which is neutral and non-polar, at codon 275 of the CHRNA4 protein (p.Ile275Met). ClinVar contains an entry for this variant (Variation ID: 1762649). In summary, the available evidence is currently insufficient to determine the role of this variant in disease. Therefore, it has been classified as a Variant of Uncertain Significance. Advanced modeling of protein sequence and biophysical properties (such as structural, functional, and spatial information, amino acid conservation, physicochemical variation, residue mobility, and thermodynamic stability) performed at Invitae indicates that this missense variant is not expected to disrupt CHRNA4 protein function. This variant has not been reported in the literature in individuals affected with CHRNA4-related conditions.

Ambry Genetics
Classification: Uncertain significance for Inborn genetic diseases. Last evaluated: 2018-02-08. Review status: criteria provided, single submitter. Criteria: Ambry Variant Classification Scheme 2023. Collection method: clinical testing. Allele origin: germline.
Comment: The p.I275M variant (also known as c.825C>G), located in coding exon 5 of the CHRNA4 gene, results from a C to G substitution at nucleotide position 825. The isoleucine at codon 275 is replaced by methionine, an amino acid with highly similar properties. This amino acid position is poorly conserved in available vertebrate species. In addition, the in silico prediction for this alteration is inconclusive. Since supporting evidence is limited at this time, the clinical significance of this alteration remains unclear.

Literature cited by the submitters: PubMed 25282705 (cited by Ambry Genetics).